The following is an entry in ClinVar:

ClinVar aggregate classification (germline): Uncertain significance (1 of 4 stars; one submission).

gnomAD v4.1: 7 of 1,269,476 alleles (0.00055%); highest among the groups gnomAD compares: African/African-American, 0.0015%; no homozygotes.

Submission:

Labcorp Genetics (formerly Invitae), Labcorp
Classification: Uncertain significance. Last evaluated: 2025-07-13. Review status: criteria provided, single submitter. Criteria: Invitae Variant Classification Sherloc (09022015). Collection method: clinical testing. Allele origin: germline.
Comment: This sequence change replaces valine, which is neutral and non-polar, with methionine, which is neutral and non-polar, at codon 342 of the HEPACAM protein (p.Val342Met). This variant is not present in population databases (gnomAD no frequency). This variant has not been reported in the literature in individuals affected with HEPACAM-related conditions. Invitae Evidence Modeling of protein sequence and biophysical properties (such as structural, functional, and spatial information, amino acid conservation, physicochemical variation, residue mobility, and thermodynamic stability) indicates that this missense variant is not expected to disrupt HEPACAM protein function with a negative predictive value of 95%. In summary, the available evidence is currently insufficient to determine the role of this variant in disease. Therefore, it has been classified as a Variant of Uncertain Significance.

NM_152722.5(HEPACAM):c.1024G>A (p.Val342Met)

Gene: HEPACAM (hepatic and glial cell adhesion molecule; minus strand). Cytogenetic location: 11q24.2.
Variant type: single nucleotide variant.
Coding change: c.1024G>A on transcript NM_152722.5 (MANE Select); coding-DNA position 1024, G replaced by A.
Protein change: p.Val342Met; replaces valine 342 with methionine.
Molecular consequence: missense variant.
Genome position (GRCh38, 1-based): chr11:124,921,365, C>T on the plus strand (G>A on the coding strand, the complement: HEPACAM is on the minus strand). VCF-style: chr11-124921365-C-T. GRCh37 (hg19) VCF-style: chr11-124791261-C-T.
Other names: c.1180G>A, p.Val394Met (NM_001411043.1); c.1021G>A, p.Val341Met (NM_001441320.1); short protein forms V341M, V342M, V394M.
Identifiers: ClinVar variation 4776841 (VCV004776841.1).
Genomic context (GRCh38, chr11:124,921,365, plus strand): 5'-GGTAGCGGCGGGCAGAGCGGATGGGCAGCCCCGGCGAGCGGCCGGGCACGGCGGGAGACA[C>T]GGAGTAGCCGGGCGGGCCGGGCTCCGTCGCGCTTCGAGGCTCCGGGGCCGGGTTCTCCTC-3'
Protein context (NP_689935.2, residues 332-352): ATEPGPPGYS[Val342Met]SPAVPGRSPG